The following is an entry in ClinVar:

NM_003640.5(ELP1):c.480T>C (p.Thr160=)

Gene: ELP1 (elongator acetyltransferase complex subunit 1; minus strand). Cytogenetic location: 9q31.3.
Variant type: single nucleotide variant.
Coding change: c.480T>C on transcript NM_003640.5 (MANE Select); coding-DNA position 480, T replaced by C.
Protein change: p.Thr160=; no amino-acid change (threonine 160 retained).
Molecular consequence: synonymous variant. On other transcripts: 5 prime UTR variant (1).
Genome position (GRCh38, 1-based): chr9:108,922,914, A>G on the plus strand (T>C on the coding strand, the complement: ELP1 is on the minus strand). VCF-style: chr9-108922914-A-G. GRCh37 (hg19) VCF-style: chr9-111685194-A-G.
Other names: c.138T>C, p.Thr46= (NM_001318360.2); c.-380T>C (NM_001330749.2).
Identifiers: ClinVar variation 2563025 (VCV002563025.8), dbSNP rs2537949947, ClinGen allele CA466669747.

ClinVar aggregate classification (germline): Likely benign. Review status: criteria provided, multiple submitters, no conflicts (2 of 4 stars). 3 submissions from 3 submitters: Likely benign (3). Last evaluated 2026-02-01.

Submissions (3):

CeGaT Center for Human Genetics Tuebingen
Classification: Likely benign. Last evaluated: 2026-02-01. Review status: criteria provided, single submitter. Criteria: CeGaT Center For Human Genetics Tuebingen Variant Classification Criteria Version 2. Collection method: clinical testing. Allele origin: germline. Affected: yes. Observed: 1 variant allele.
Comment: ELP1: PM2:Supporting, BP4, BP7

Labcorp Genetics (formerly Invitae), Labcorp
Classification: Likely benign. Last evaluated: 2024-02-25. Review status: criteria provided, single submitter. Criteria: Invitae Variant Classification Sherloc (09022015). Collection method: clinical testing. Allele origin: germline.

Ambry Genetics
Classification: Likely benign. Last evaluated: 2023-04-30. Review status: criteria provided, single submitter. Criteria: Ambry Variant Classification Scheme 2023. Collection method: clinical testing. Allele origin: germline.